The following is an entry in ClinVar:

NM_005431.2(XRCC2):c.482del (p.Asn161fs)

Gene: XRCC2 (X-ray repair cross complementing 2; minus strand). Cytogenetic location: 7q36.1.
Variant type: Deletion.
Coding change: c.482del on transcript NM_005431.2 (MANE Select); coding-DNA position 482, one base deleted (A; older notation c.482delA).
Protein change: p.Asn161fs; shifts the reading frame from asparagine 161.
Molecular consequence: frameshift variant.
Genome position (GRCh38, 1-based): chr7:152,649,003, T deleted on the plus strand (A on the coding strand, the reverse complement: XRCC2 is on the minus strand); the first of 2 consecutive T bases (chr7:152,649,003-152,649,004); deleting either gives the same sequence. VCF-style (leftmost placement, unchanged base first): chr7-152649002-AT-A. GRCh37 (hg19) VCF-style: chr7-152346087-AT-A.
Other names: short protein forms N161fs.
Identifiers: ClinVar variation 4812096 (VCV004812096.1).

ClinVar aggregate classification (germline): Uncertain significance (1 of 4 stars; one submission).

Submission:

Labcorp Genetics (formerly Invitae), Labcorp
Classification: Uncertain significance. Last evaluated: 2026-01-19. Review status: criteria provided, single submitter. Criteria: Invitae Variant Classification Sherloc (09022015). Collection method: clinical testing. Allele origin: germline.
Comment: This sequence change creates a premature translational stop signal (p.Asn161Metfs*6) in the XRCC2 gene. While this is not anticipated to result in nonsense mediated decay, it is expected to disrupt the last 120 amino acid(s) of the XRCC2 protein. This variant is present in population databases (no rsID available, gnomAD 0.003%). This variant has not been reported in the literature in individuals affected with XRCC2-related conditions. Experimental studies and prediction algorithms are not available or were not evaluated, and the functional significance of this variant is currently unknown. In summary, the available evidence is currently insufficient to determine the role of this variant in disease. Therefore, it has been classified as a Variant of Uncertain Significance.